The following is an entry in ClinVar:

ClinVar aggregate classification (germline): Uncertain significance (1 of 4 stars; one submission).

Conditions:
Diamond-Blackfan anemia. Also called: Blackfan Diamond syndrome; Aregenerative anemia chronic congenital; Red cell aplasia, pure hereditary; Congenital hypoplastic anemia; Aase syndrome. Identifiers: Orphanet 124, MedGen C1260899, MeSH D029503, MONDO:0015253, HP:0004810.

Allele frequency attached by ClinVar (database versions not stated): TOPMed 0.00001; gnomAD exomes 0.00003.
gnomAD v4.1: 38 of 1,612,180 alleles (0.0024%); highest among the groups gnomAD compares: Non-Finnish European, 0.0031%; no homozygotes.

Submission:

Labcorp Genetics (formerly Invitae), Labcorp
Classification: Uncertain significance for Diamond-Blackfan anemia. Last evaluated: 2025-06-23. Review status: criteria provided, single submitter. Criteria: Invitae Variant Classification Sherloc (09022015). Collection method: clinical testing. Allele origin: germline.
Comment: This sequence change replaces lysine, which is basic and polar, with glutamine, which is neutral and polar, at codon 117 of the RPL26 protein (p.Lys117Gln). This variant is present in population databases (no rsID available, gnomAD 0.002%). This variant has not been reported in the literature in individuals affected with RPL26-related conditions. ClinVar contains an entry for this variant (Variation ID: 2194855). An algorithm developed to predict the effect of missense changes on protein structure and function (PolyPhen-2) suggests that this variant is likely to be tolerated. In summary, the available evidence is currently insufficient to determine the role of this variant in disease. Therefore, it has been classified as a Variant of Uncertain Significance.

NM_000987.5(RPL26):c.349A>C (p.Lys117Gln)

Gene: RPL26 (ribosomal protein L26; minus strand). Cytogenetic location: 17p13.1.
Variant type: single nucleotide variant.
Coding change: c.349A>C on transcript NM_000987.5 (MANE Select); coding-DNA position 349, A replaced by C.
Protein change: p.Lys117Gln; replaces lysine 117 with glutamine.
Molecular consequence: missense variant.
Genome position (GRCh38, 1-based): chr17:8,377,653, T>G on the plus strand (A>C on the coding strand, the complement: RPL26 is on the minus strand). VCF-style: chr17-8377653-T-G. GRCh37 (hg19) VCF-style: chr17-8280971-T-G.
Other names: c.349A>C, p.Lys117Gln (NM_001315530.2, NM_001315531.2); short protein forms K117Q.
Identifiers: ClinVar variation 2194855 (VCV002194855.4), dbSNP rs1268920255, ClinGen allele CA398012790.